The following is an entry in ClinVar:

NM_001378454.1(ALMS1):c.3254A>T (p.Gln1085Leu)

Gene: ALMS1 (ALMS1 centrosome and basal body associated protein; plus strand). Cytogenetic location: 2p13.1.
Variant type: single nucleotide variant.
Coding change: c.3254A>T on transcript NM_001378454.1 (MANE Select); coding-DNA position 3254, A replaced by T.
Protein change: p.Gln1085Leu; replaces glutamine 1085 with leucine.
Molecular consequence: missense variant.
Genome position (GRCh38, 1-based): chr2:73,449,781, A>T. VCF-style: chr2-73449781-A-T. GRCh37 (hg19) VCF-style: chr2-73676908-A-T.
Other names: c.3257A>T, p.Gln1086Leu (NM_015120.4); short protein forms Q1085L, Q1086L.
Identifiers: ClinVar variation 1980483 (VCV001980483.4), dbSNP rs2103778150, ClinGen allele CA347274567.

ClinVar aggregate classification (germline): Uncertain significance (1 of 4 stars; one submission).

Conditions:
Alstrom syndrome (ALMS). Identifiers: Orphanet 64, MedGen C0268425, MONDO:0008763, OMIM 203800.

gnomAD v4.1: 1 of 1,614,142 alleles (0.000062%); highest among the groups gnomAD compares: Non-Finnish European, 0.000085%; no homozygotes.

Submission:

Labcorp Genetics (formerly Invitae), Labcorp
Classification: Uncertain significance for Alstrom syndrome. Last evaluated: 2022-07-29. Review status: criteria provided, single submitter. Criteria: Invitae Variant Classification Sherloc (09022015). Collection method: clinical testing. Allele origin: germline.
Comment: This variant has not been reported in the literature in individuals affected with ALMS1-related conditions. This sequence change replaces glutamine, which is neutral and polar, with leucine, which is neutral and non-polar, at codon 1086 of the ALMS1 protein (p.Gln1086Leu). This variant is not present in population databases (gnomAD no frequency). Experimental studies and prediction algorithms are not available or were not evaluated, and the functional significance of this variant is currently unknown. In summary, the available evidence is currently insufficient to determine the role of this variant in disease. Therefore, it has been classified as a Variant of Uncertain Significance.